The following is an entry in ClinVar:

ClinVar aggregate classification (germline): Uncertain significance. Review status: reviewed by expert panel (3 of 4 stars). 3 submissions from 3 submitters: Uncertain significance (1). 2 of the submissions do not count toward it. Last evaluated 2025-01-03.

Conditions:
Pulmonary hypertension, primary, 1 (PPH1). Also called: Pulmonary hypertension, familial primary, 1, with or without HHT. Identifiers: Orphanet 422, MedGen C4552070, MONDO:0024533, OMIM 178600.
Pulmonary arterial hypertension. Identifiers: Orphanet 182090, MedGen C2973725, MeSH D000081029, MONDO:0015924, HP:0002092.

Submissions (3):

Clingen Pulmonary Hypertension Variant Curation Expert Panel, ClinGen
Classification: Uncertain significance for Pulmonary arterial hypertension. Last evaluated: 2025-01-03. Review status: reviewed by expert panel. Criteria: ClinGen PH ACMG Specifications BMPR2 V1.1.0. Collection method: curation. Allele origin: germline. Inheritance: Autosomal dominant inheritance.
Comment: The c.1202T>C (p.Leu401Ser) variant is a missense variant harboured in exon 9 of the BMPR2 gene, predicted to cause substitution of leucine to serine encoding the functionally relevant catalytic kinase domain but without functional evidence indicating either critical or non-critical amino acid residue (PM1_moderate). This variant is absent from gnomAD v2.1.1 (controls) and v4.1 (PM2_supporting). The REVEL prediction algorithm score is 0.72, below the PH VCEP threshold of >=0.75 for pathogenicity but above the threshold of <=0.25 for benignity (PP3 and BP4 not met). The variant has been identified in a single individual with hereditary PAH, included in two reports (PMID: 32581362 and PMID: 16429395) (PS4 not met). The variant was paternally inherited (PS2 not met). Functional studies have not been conducted for this variant (PS3 not assessed). In summary, this variant meets the criteria to be classified as a variant of unknown significance for pulmonary arterial hypertension based on the ACMG/AMP criteria applied, as specified by the ClinGen Pulmonary Hypertension VCEP: PM1_moderate, PM2_supporting, PP3_not met (VCEP specification version 1.1.0, 1/18/2024)

NIHR Bioresource Rare Diseases, University of Cambridge
Classification: Likely pathogenic for Pulmonary arterial hypertension. Review status: no assertion criteria provided. Collection method: research. Allele origin: unknown. Affected: yes. Observed: 2 variant alleles. Not counted in ClinVar's aggregate classification.

Rare Disease Genomics Group, St George's University of London
Classification: Pathogenic for Primary pulmonary hypertension. Review status: no assertion criteria provided. Collection method: literature only. Allele origin: germline. Affected: yes. Not counted in ClinVar's aggregate classification.

Literature cited by the submitters: PubMed 32581362 (cited by NIHR Bioresource Rare Diseases, University of Cambridge); PubMed 16429395 (cited by Rare Disease Genomics Group, St George's University of London).

NM_001204.7(BMPR2):c.1202T>C (p.Leu401Ser)

Gene: BMPR2 (bone morphogenetic protein receptor type 2; plus strand). Cytogenetic location: 2q33.2.
Variant type: single nucleotide variant.
Coding change: c.1202T>C on transcript NM_001204.7 (MANE Select); coding-DNA position 1202, T replaced by C.
Protein change: p.Leu401Ser; replaces leucine 401 with serine.
Molecular consequence: missense variant.
Genome position (GRCh38, 1-based): chr2:202,532,658, T>C. VCF-style: chr2-202532658-T-C. GRCh37 (hg19) VCF-style: chr2-203397381-T-C.
Other names: NM_001204.7(BMPR2):c.1202T>C; p.Leu401Ser; c.1202T>C (LRG_712t1); short protein forms L401S.
Identifiers: ClinVar variation 425892 (VCV000425892.4), dbSNP rs1085307312, ClinGen allele CA350341841.